The following is an entry in ClinVar:

NM_001844.5(COL2A1):c.743del (p.Pro248fs)

Gene: COL2A1 (collagen type II alpha 1 chain; minus strand). Cytogenetic location: 12q13.11.
Variant type: Deletion.
Coding change: c.743del on transcript NM_001844.5 (MANE Select); coding-DNA position 743, one base deleted (C; older notation c.743delC).
Protein change: p.Pro248fs; shifts the reading frame from proline 248.
Molecular consequence: frameshift variant.
Genome position (GRCh38, 1-based): chr12:47,995,274, G deleted on the plus strand (C on the coding strand, the reverse complement: COL2A1 is on the minus strand); the first of 5 consecutive G bases (chr12:47,995,274-47,995,278); deleting any one gives the same sequence. VCF-style (leftmost placement, unchanged base first): chr12-47995273-AG-A. GRCh37 (hg19) VCF-style: chr12-48389056-AG-A.
Other names: c.536del, p.Pro179fs (NM_033150.3); short protein forms P248fs, P179fs.
Identifiers: ClinVar variation 2131501 (VCV002131501.4), dbSNP rs2540172754, ClinGen allele CA2580085477.

ClinVar aggregate classification (germline): Pathogenic (1 of 4 stars; one submission).

Submission:

Labcorp Genetics (formerly Invitae), Labcorp
Classification: Pathogenic. Last evaluated: 2022-11-23. Review status: criteria provided, single submitter. Criteria: Invitae Variant Classification Sherloc (09022015). Collection method: clinical testing. Allele origin: germline.
Comment: This sequence change creates a premature translational stop signal (p.Pro248Leufs*60) in the COL2A1 gene. It is expected to result in an absent or disrupted protein product. Loss-of-function variants in COL2A1 are known to be pathogenic (PMID: 20179744). This variant is not present in population databases (gnomAD no frequency). This variant has not been reported in the literature in individuals affected with COL2A1-related conditions. For these reasons, this variant has been classified as Pathogenic.

Literature cited by the submitters: PubMed 20179744.